The following is an entry in ClinVar:

NM_021961.6(TEAD1):c.157T>C (p.Cys53Arg)

Gene: TEAD1 (TEA domain transcription factor 1; plus strand). Cytogenetic location: 11p15.3.
Variant type: single nucleotide variant.
Coding change: c.157T>C on transcript NM_021961.6 (MANE Select); coding-DNA position 157, T replaced by C.
Protein change: p.Cys53Arg; replaces cysteine 53 with arginine.
Molecular consequence: missense variant.
Genome position (GRCh38, 1-based): chr11:12,764,389, T>C. VCF-style: chr11-12764389-T-C. GRCh37 (hg19) VCF-style: chr11-12785936-T-C.
Other names: short protein forms C53R.
Identifiers: ClinVar variation 2810457 (VCV002810457.3), dbSNP rs2494304002, ClinGen allele CA379855745.

ClinVar aggregate classification (germline): Uncertain significance (1 of 4 stars; one submission).

Submission:

Labcorp Genetics (formerly Invitae), Labcorp
Classification: Uncertain significance. Last evaluated: 2023-10-14. Review status: criteria provided, single submitter. Criteria: Invitae Variant Classification Sherloc (09022015). Collection method: clinical testing. Allele origin: germline.
Comment: This sequence change replaces cysteine, which is neutral and slightly polar, with arginine, which is basic and polar, at codon 53 of the TEAD1 protein (p.Cys53Arg). This variant is not present in population databases (gnomAD no frequency). This variant has not been reported in the literature in individuals affected with TEAD1-related conditions. An algorithm developed to predict the effect of missense changes on protein structure and function (PolyPhen-2) suggests that this variant is likely to be disruptive. In summary, the available evidence is currently insufficient to determine the role of this variant in disease. Therefore, it has been classified as a Variant of Uncertain Significance.